The following is an entry in ClinVar:

ClinVar aggregate classification (germline): Uncertain significance (1 of 4 stars; one submission).

Submission:

Women's Health and Genetics/Laboratory Corporation of America, LabCorp
Classification: Uncertain significance. Last evaluated: 2023-12-19. Review status: criteria provided, single submitter. Criteria: LabCorp Variant Classification Summary - May 2015. Collection method: clinical testing. Allele origin: germline.
Comment: Variant summary: RNF213 c.962_963delinsCA (p.Met321Thr) results in a non-conservative amino acid change in the encoded protein sequence. Three of four in-silico tools predict a benign effect of the variant on protein function. The variant allele was found at a frequency of 1.2e-05 in 251480 control chromosomes. The available data on variant occurrences in the general population are insufficient to allow any conclusion about variant significance. To our knowledge, no occurrence of c.962_963delinsCA in individuals affected with Moyamoya Disease 2 and no experimental evidence demonstrating its impact on protein function have been reported. No submitters have cited clinical-significance assessments for this variant to ClinVar after 2014. Based on the evidence outlined above, the variant was classified as uncertain significance.

NM_001256071.3(RNF213):c.962_963inv (p.Met321Thr)

Gene: RNF213 (ring finger protein 213; plus strand). Cytogenetic location: 17q25.3.
Variant type: Inversion.
Coding change: c.962_963inv on transcript NM_001256071.3 (MANE Select).
Protein change: p.Met321Thr; replaces methionine 321 with threonine.
Molecular consequence: missense variant.
Genome position: GRCh38 VCF-style: chr17-80289687-TG-CA. GRCh37 (hg19) VCF-style: chr17-78263486-TG-CA.
Other names: c.1109_1110inv, p.Met370Thr (NM_001410195.1, NM_020914.5); c.962_963inv, p.Met321Thr (NM_020954.4); c.962_963delinsCA (NM_001256071.3); short protein forms M321T, M370T.
Identifiers: ClinVar variation 2691336 (VCV002691336.1), ClinGen allele CA2697555262.